The following is an entry in ClinVar:

NM_001378183.1(PIEZO2):c.6013G>A (p.Asp2005Asn)

Gene: PIEZO2 (piezo type mechanosensitive ion channel component 2; minus strand). Cytogenetic location: 18p11.22.
Variant type: single nucleotide variant.
Coding change: c.6013G>A on transcript NM_001378183.1 (MANE Select); coding-DNA position 6013, G replaced by A.
Protein change: p.Asp2005Asn; replaces aspartic acid 2005 with asparagine.
Molecular consequence: missense variant.
Genome position (GRCh38, 1-based): chr18:10,704,639, C>T on the plus strand (G>A on the coding strand, the complement: PIEZO2 is on the minus strand). VCF-style: chr18-10704639-C-T. GRCh37 (hg19) VCF-style: chr18-10704637-C-T.
Other names: c.5674G>A, p.Asp1892Asn (NM_022068.4); short protein forms D1892N, D2005N.
Identifiers: ClinVar variation 710091 (VCV000710091.56), dbSNP rs199842060, ClinGen allele CA8892280.

ClinVar aggregate classification (germline): Likely benign. Review status: criteria provided, multiple submitters, no conflicts (2 of 4 stars). 9 submissions from 9 submitters: Likely benign (5). 4 of the submissions do not count toward it. Last evaluated 2026-03-01.

Conditions:
PIEZO2-related disorder. Also called: PIEZO2-related disorders; PIEZO2-related condition.

Allele frequency attached by ClinVar (database versions not stated): 1000 Genomes Project 30x 0.00016; 1000 Genomes Project 0.00020; TOPMed 0.00093; gnomAD 0.00165 and 0.00170; ESP Exome Variant Server 0.00175.
gnomAD v4.1: 2,180 of 1,536,370 alleles (0.14%); highest among the groups gnomAD compares: Non-Finnish European, 0.16%; 12 homozygotes.

Submissions (9):

CeGaT Center for Human Genetics Tuebingen
Classification: Likely benign. Last evaluated: 2026-03-01. Review status: criteria provided, single submitter. Criteria: CeGaT Center For Human Genetics Tuebingen Variant Classification Criteria Version 2. Collection method: clinical testing. Allele origin: germline. Affected: yes. Observed: 13 variant alleles.
Comment: PIEZO2: PP2, BP4, BS1

Labcorp Genetics (formerly Invitae), Labcorp
Classification: Likely benign. Last evaluated: 2026-01-24. Review status: criteria provided, single submitter. Criteria: Invitae Variant Classification Sherloc (09022015). Collection method: clinical testing. Allele origin: germline.

Blueprint Genetics
Classification: Likely benign. Last evaluated: 2024-11-27. Review status: criteria provided, single submitter. Criteria: ACMG Guidelines, 2015. Collection method: clinical testing. Allele origin: germline.

GeneDx
Classification: Likely benign. Last evaluated: 2019-08-30. Review status: criteria provided, single submitter. Criteria: GeneDx Variant Classification Process June 2021. Collection method: clinical testing. Allele origin: germline. Affected: yes.

Breakthrough Genomics
Classification: Likely benign. Review status: criteria provided, single submitter. Criteria: ACMG Guidelines, 2015. Collection method: not provided. Allele origin: germline. Inheritance: Autosomal recessive inheritance. Affected: yes.

PreventionGenetics, part of Exact Sciences
Classification: Likely benign for PIEZO2-related condition. Last evaluated: 2021-07-14. Review status: no assertion criteria provided. Collection method: clinical testing. Allele origin: germline. Not counted in ClinVar's aggregate classification.
Comment: This variant is classified as likely benign based on ACMG/AMP sequence variant interpretation guidelines (Richards et al. 2015 PMID: 25741868, with internal and published modifications).

Clinical Genetics, Academic Medical Center
Classification: Likely benign. Review status: no assertion criteria provided. Collection method: clinical testing. Allele origin: germline. Affected: yes. Study: VKGL Data-share Consensus. Not counted in ClinVar's aggregate classification.

Genome Diagnostics Laboratory, University Medical Center Utrecht
Classification: Likely benign. Review status: no assertion criteria provided. Collection method: clinical testing. Allele origin: germline. Affected: yes. Study: VKGL Data-share Consensus. Not counted in ClinVar's aggregate classification.

Laboratory of Diagnostic Genome Analysis, Leiden University Medical Center (LUMC)
Classification: Likely benign. Review status: no assertion criteria provided. Collection method: clinical testing. Allele origin: germline. Affected: yes. Study: VKGL Data-share Consensus. Not counted in ClinVar's aggregate classification.